The following is an entry in ClinVar:

NM_014009.4(FOXP3):c.1264A>C (p.Ser422Arg)

Gene: FOXP3 (forkhead box P3; minus strand). Cytogenetic location: Xp11.23.
Variant type: single nucleotide variant.
Coding change: c.1264A>C on transcript NM_014009.4 (MANE Select); coding-DNA position 1264, A replaced by C.
Protein change: p.Ser422Arg; replaces serine 422 with arginine.
Molecular consequence: missense variant.
Genome position (GRCh38, 1-based): chrX:49,251,366, T>G on the plus strand (A>C on the coding strand, the complement: FOXP3 is on the minus strand). VCF-style: chrX-49251366-T-G. GRCh37 (hg19) VCF-style: chrX-49107827-T-G.
Other names: c.1159A>C, p.Ser387Arg (NM_001114377.2); short protein forms S387R, S422R.
Identifiers: ClinVar variation 4800438 (VCV004800438.1).

ClinVar aggregate classification (germline): Uncertain significance (1 of 4 stars; one submission).

Conditions:
Insulin-dependent diabetes mellitus secretory diarrhea syndrome (IPEX). Also called: Immunodeficiency, Polyendocrinopathy, and Enteropathy X-Linked Syndrome; X-Linked Syndrome of Polyendocrinopathy, Immune Dysfunction, and Diarrhea; IMMUNODEFICIENCY, POLYENDOCRINOPATHY, AND ENTEROPATHY, X-LINKED; Immune dysregulation-polyendocrinopathy-enteropathy-X-linked syndrome; Immunodysregulation, polyendocrinopathy, and enteropathy, X-linked; IPEX and IPEX-Like. Identifiers: Orphanet 37042, MedGen C0342288, MONDO:0010580, OMIM 304790. Disease mechanism: loss of function.

Submission:

Labcorp Genetics (formerly Invitae), Labcorp
Classification: Uncertain significance for Insulin-dependent diabetes mellitus secretory diarrhea syndrome. Last evaluated: 2025-07-29. Review status: criteria provided, single submitter. Criteria: Invitae Variant Classification Sherloc (09022015). Collection method: clinical testing. Allele origin: germline.
Comment: This sequence change replaces serine, which is neutral and polar, with arginine, which is basic and polar, at codon 422 of the FOXP3 protein (p.Ser422Arg). This variant is not present in population databases (gnomAD no frequency). This variant has not been reported in the literature in individuals affected with FOXP3-related conditions. Invitae Evidence Modeling of protein sequence and biophysical properties (such as structural, functional, and spatial information, amino acid conservation, physicochemical variation, residue mobility, and thermodynamic stability) indicates that this missense variant is not expected to disrupt FOXP3 protein function with a negative predictive value of 80%. In summary, the available evidence is currently insufficient to determine the role of this variant in disease. Therefore, it has been classified as a Variant of Uncertain Significance.